The following is an entry in ClinVar:

ClinVar aggregate classification (germline): Uncertain significance (1 of 4 stars; one submission).

Conditions:
INPP5E-related disorder. Also called: INPP5E-related condition.

Submission:

PreventionGenetics, part of Exact Sciences
Classification: Uncertain significance for INPP5E-related condition. Last evaluated: 2024-10-11. Review status: criteria provided, single submitter. Criteria: ACMG Guidelines, 2015. Collection method: clinical testing. Allele origin: germline.
Comment: The INPP5E c.22C>G variant is predicted to result in the amino acid substitution p.Leu8Val. To our knowledge, this variant has not been reported in the literature or in a large population database (gnomAD), indicating this variant is rare. At this time, the clinical significance of this variant is uncertain due to the absence of conclusive functional and genetic evidence.

NM_019892.6(INPP5E):c.22C>G (p.Leu8Val)

Gene: INPP5E (inositol polyphosphate-5-phosphatase E; minus strand). Cytogenetic location: 9q34.3.
Variant type: single nucleotide variant.
Coding change: c.22C>G on transcript NM_019892.6 (MANE Select); coding-DNA position 22, C replaced by G.
Protein change: p.Leu8Val; replaces leucine 8 with valine.
Molecular consequence: missense variant.
Genome position (GRCh38, 1-based): chr9:136,439,398, G>C on the plus strand (C>G on the coding strand, the complement: INPP5E is on the minus strand). VCF-style: chr9-136439398-G-C. GRCh37 (hg19) VCF-style: chr9-139333850-G-C.
Other names: c.22C>G, p.Leu8Val (NM_001318502.2); short protein forms L8V.
Identifiers: ClinVar variation 4984700 (VCV004984700.1).